The following is an entry in ClinVar:

NM_001034853.2(RPGR):c.1449G>A (p.Glu483=)

Gene: RPGR (retinitis pigmentosa GTPase regulator; minus strand). Cytogenetic location: Xp11.4.
Variant type: single nucleotide variant.
Coding change: c.1449G>A on transcript NM_001034853.2 (MANE Select); coding-DNA position 1449, G replaced by A.
Protein change: p.Glu483=; no amino-acid change (glutamic acid 483 retained).
Molecular consequence: synonymous variant. On other transcripts: non-coding transcript variant (5).
Genome position (GRCh38, 1-based): chrX:38,291,450, C>T on the plus strand (G>A on the coding strand, the complement: RPGR is on the minus strand). VCF-style: chrX-38291450-C-T. GRCh37 (hg19) VCF-style: chrX-38150703-C-T.
Other names: c.1449G>A, p.Glu483= (NM_000328.3, NM_001367247.1); c.1446G>A, p.Glu482= (NM_001367245.1, NM_001367249.1, NM_001367250.1); c.1263G>A, p.Glu421= (NM_001367246.1, NM_001367251.1); c.1479G>A, p.Glu493= (NM_001367248.1).
Identifiers: ClinVar variation 3032418 (VCV003032418.2), dbSNP rs774609177, ClinGen allele CA515646439.
Genomic context (GRCh38, chrX:38,291,450, plus strand): 5'-TACCATGTTTAAGATATCAGTAGTTTCTCCAAGGCTTTCTACAGTTGAAGAATTATCTAT[C>T]TCTGCTTCTTTGGTCATTTCATCTAGCAAATAATCTGAATGATTAAATGGGAAAAAGGAA-3'
Protein context (NP_001030025.1, residues 473-493): YLLDEMTKEA[Glu483=]IDNSSTVESL

ClinVar aggregate classification (germline): Likely benign (0 of 4 stars; one submission).

Conditions:
RPGR-related disorder. Also called: RPGR-related condition.

Submission:

PreventionGenetics, part of Exact Sciences
Classification: Likely benign for RPGR-related condition. Last evaluated: 2023-12-27. Review status: no assertion criteria provided. Collection method: clinical testing. Allele origin: germline.
Comment: This variant is classified as likely benign based on ACMG/AMP sequence variant interpretation guidelines (Richards et al. 2015 PMID: 25741868, with internal and published modifications).